The following is an entry in ClinVar:

NM_002471.4(MYH6):c.5458C>G (p.Arg1820Gly)

Gene: MYH6 (myosin heavy chain 6; minus strand). Cytogenetic location: 14q11.2.
Variant type: single nucleotide variant.
Coding change: c.5458C>G on transcript NM_002471.4 (MANE Select); coding-DNA position 5458, C replaced by G.
Protein change: p.Arg1820Gly; replaces arginine 1820 with glycine.
Molecular consequence: missense variant.
Genome position (GRCh38, 1-based): chr14:23,384,549, G>C on the plus strand (C>G on the coding strand, the complement: MYH6 is on the minus strand). VCF-style: chr14-23384549-G-C. GRCh37 (hg19) VCF-style: chr14-23853758-G-C.
Other names: short protein forms R1820G.
Identifiers: ClinVar variation 3630288 (VCV003630288.2).

ClinVar aggregate classification (germline): Uncertain significance (1 of 4 stars; one submission).

Conditions:
Hypertrophic cardiomyopathy 14. Identifiers: MedGen C2750467, MONDO:0013197, OMIM 613251.

gnomAD v4.1: 3 of 1,613,370 alleles (0.00019%); highest among the groups gnomAD compares: African/African-American, 0.0013%; no homozygotes.

Submission:

Labcorp Genetics (formerly Invitae), Labcorp
Classification: Uncertain significance for Hypertrophic cardiomyopathy 14. Last evaluated: 2024-12-06. Review status: criteria provided, single submitter. Criteria: Invitae Variant Classification Sherloc (09022015). Collection method: clinical testing. Allele origin: germline.
Comment: This sequence change replaces arginine, which is basic and polar, with glycine, which is neutral and non-polar, at codon 1820 of the MYH6 protein (p.Arg1820Gly). This variant is present in population databases (no rsID available, gnomAD 0.007%). This variant has not been reported in the literature in individuals affected with MYH6-related conditions. Invitae Evidence Modeling of protein sequence and biophysical properties (such as structural, functional, and spatial information, amino acid conservation, physicochemical variation, residue mobility, and thermodynamic stability) indicates that this missense variant is expected to disrupt MYH6 protein function with a positive predictive value of 80%. In summary, the available evidence is currently insufficient to determine the role of this variant in disease. Therefore, it has been classified as a Variant of Uncertain Significance.